The following is an entry in ClinVar:

NM_000135.4(FANCA):c.154C>T (p.Arg52Ter)

Gene: FANCA (FA complementation group A; minus strand). Cytogenetic location: 16q24.3.
Variant type: single nucleotide variant.
Coding change: c.154C>T on transcript NM_000135.4 (MANE Select); coding-DNA position 154, C replaced by T.
Protein change: p.Arg52Ter; replaces arginine 52 with a stop codon.
Molecular consequence: nonsense.
Genome position (GRCh38, 1-based): chr16:89,815,912, G>A on the plus strand (C>T on the coding strand, the complement: FANCA is on the minus strand). VCF-style: chr16-89815912-G-A. GRCh37 (hg19) VCF-style: chr16-89882320-G-A.
Other names: c.154C>T (LRG_495t1); c.154C>T, p.Arg52Ter (NM_001018112.3, NM_001286167.3, NM_001351830.2); short protein forms R52*.
Identifiers: ClinVar variation 371668 (VCV000371668.19), dbSNP rs773159223, ClinGen allele CA8253157.

ClinVar aggregate classification (germline): Pathogenic. Review status: criteria provided, multiple submitters, no conflicts (2 of 4 stars). 6 submissions from 6 submitters: Pathogenic (2). 4 of the submissions do not count toward it. Last evaluated 2024-12-03.
ClinVar aggregate classification (oncogenicity): Likely oncogenic (1 of 4 stars; one submission).

Conditions:
Fanconi anemia (FA). Also called: Fanconi's anemia. Identifiers: Orphanet 84, MedGen C0015625, MeSH D005199, MONDO:0019391.
Fanconi anemia complementation group A (FANCA). Also called: Fanconi anemia, group A; FANCA-Related Fanconi Anemia. Identifiers: Orphanet 84, MedGen C3469521, MONDO:0009215, OMIM 227650.
Neoplasm. Also called: Neoplasms; Neoplasm (disease); tumor. Identifiers: MedGen C0027651, MeSH D009369, MONDO:0005070, HP:0002664.

Allele frequency attached by ClinVar (database versions not stated): ExAC 0.00001; TOPMed 0.00001; gnomAD exomes 0.00002.

Submissions (7):

Center for Genomic Medicine, Rigshospitalet, Copenhagen University Hospital
Classification: Likely oncogenic for Neoplasm. Last evaluated: 2025-12-29. Review status: criteria provided, single submitter. Criteria: ClinGen/CGC/VICC Guidelines for Oncogenicity, 2022. Collection method: clinical testing. Allele origin: somatic. Affected: yes.

Labcorp Genetics (formerly Invitae), Labcorp
Classification: Pathogenic for Fanconi anemia. Last evaluated: 2024-12-03. Review status: criteria provided, single submitter. Criteria: Invitae Variant Classification Sherloc (09022015). Collection method: clinical testing. Allele origin: germline.
Comment: This sequence change creates a premature translational stop signal (p.Arg52*) in the FANCA gene. It is expected to result in an absent or disrupted protein product. Loss-of-function variants in FANCA are known to be pathogenic (PMID: 19367192). This variant is present in population databases (rs773159223, gnomAD 0.007%). This premature translational stop signal has been observed in individual(s) with Fanconi anemia (PMID: 10094191, 28973083). ClinVar contains an entry for this variant (Variation ID: 371668). Algorithms developed to predict the effect of sequence changes on RNA splicing suggest that this variant may disrupt the consensus splice site. For these reasons, this variant has been classified as Pathogenic.

Baylor Genetics
Classification: Pathogenic for Fanconi anemia complementation group A. Last evaluated: 2024-03-24. Review status: criteria provided, single submitter. Criteria: ACMG Guidelines, 2015. Collection method: clinical testing. Allele origin: unknown.

Natera, Inc.
Classification: Pathogenic for Fanconi anemia. Last evaluated: 2021-06-04. Review status: no assertion criteria provided. Collection method: clinical testing. Allele origin: germline. Not counted in ClinVar's aggregate classification.

Leiden Open Variation Database
Classification: Pathogenic for Fanconi anemia complementation group A. Last evaluated: 2020-02-28. Review status: no assertion criteria provided. Collection method: curation. Allele origin: germline. Affected: yes. Not counted in ClinVar's aggregate classification.
Comment: Curator: Arleen D. Auerbach. Submitter to LOVD: Arleen D. Auerbach.

Counsyl
Classification: Pathogenic for Fanconi anemia complementation group A. Last evaluated: 2016-11-10. Review status: no assertion criteria provided. Collection method: clinical testing. Allele origin: unknown. Not counted in ClinVar's aggregate classification.

Department of Traditional Chinese Medicine, Fujian Provincial Hospital
Classification: Pathogenic for Fanconi anemia. Review status: no assertion criteria provided. Collection method: research. Allele origin: paternal. Inheritance: Autosomal recessive inheritance. Not counted in ClinVar's aggregate classification.
Comment: FANCA (P.R52*) is a nonsense mutation that is predicted to produce truncated expressed proteins with loss of their normal function; it has been reported in the literature [PMID:28973083,10094191] that this variant has been detected in patients with Fanconi anaemia; it is not included in the ESP6500, 1000genomics databases, and is available in the dbSNP and Goldfields reference population databases (rs773159223, 000002), and ClinVar database as Pathogenic. in summary, this variant is classified as pathogenic according to the ACMG guidelines.

Literature cited by the submitters: PubMed 31586946 (cited by Center for Genomic Medicine, Rigshospitalet, Copenhagen University Hospital); PubMed 19367192 (cited by Labcorp Genetics (formerly Invitae), Labcorp); PubMed 10094191 (cited by Labcorp Genetics (formerly Invitae), Labcorp and Leiden Open Variation Database); PubMed 28973083 (cited by Labcorp Genetics (formerly Invitae), Labcorp); PubMed 10521298 (cited by Counsyl); DOI 10.1001/jamapediatrics.2017.3438 (cited by Department of Traditional Chinese Medicine, Fujian Provincial Hospital); DOI 10.1038/sj.ejhg.5200248 (cited by Department of Traditional Chinese Medicine, Fujian Provincial Hospital).